The following is an entry in ClinVar:

NM_000521.4(HEXB):c.295_296delinsT (p.Arg99fs)

Gene: HEXB (hexosaminidase subunit beta; plus strand). Cytogenetic location: 5q13.3.
Variant type: Indel.
Coding change: c.295_296delinsT on transcript NM_000521.4 (MANE Select); coding-DNA positions 295 to 296, CG replaced by T.
Protein change: p.Arg99fs; shifts the reading frame from arginine 99.
Molecular consequence: frameshift variant. On other transcripts: intron variant (1).
Genome position (GRCh38, 1-based): chr5:74,685,555-74,685,556, CG replaced by T. VCF-style: chr5-74685555-CG-T. GRCh37 (hg19) VCF-style: chr5-73981380-CG-T.
Other names: c.-376-3773_-376-3772delinsT (NM_001292004.2); short protein forms R99fs.
Identifiers: ClinVar variation 1725781 (VCV001725781.2), dbSNP rs2478687957, ClinGen allele CA2580073414.
Genomic context (GRCh38, chr5:74,685,555, plus strand): 5'-ATCAGCCACAGCCCCAATTCCACGGCGGGCCCCTCCTGCACCCTGCTGGAGGAAGCGTTT[CG>T]ACGGTGAGCGCTCCCGGCCCGGCCGGGAGTTGTCCTGGGGGAGGGGAGAGGCGGACCACC-3'

ClinVar aggregate classification (germline): Likely pathogenic (1 of 4 stars; one submission).

Conditions:
Sandhoff disease. Also called: GM2-GANGLIOSIDOSIS, TYPE II; HEXOSAMINIDASES A AND B DEFICIENCY; Beta-hexosaminidase-beta-subunit deficiency; GM2 gangliosidosis, type 2; Total hexosaminidase deficiency; Sandhoff-Jatzkewitz-Pilz disease. Identifiers: Orphanet 796, MedGen C0036161, MONDO:0010006, OMIM 268800.

Submission:

Myriad Genetics, Inc.
Classification: Likely pathogenic for Sandhoff disease. Last evaluated: 2022-04-01. Review status: criteria provided, single submitter. Criteria: Myriad Women's Health Autosomal Recessive and X-Linked Classification Criteria (2021). Collection method: clinical testing. Allele origin: unknown.
Comment: NM_000521.3(HEXB):c.295_296delCGinsT(R99Yfs*55) is expected to be pathogenic in the context of Sandhoff disease. This variant is predicted to lead to an abnormal or absent protein product due to the creation of a premature termination codon in HEXB, a gene where loss-of-function variants are known to be pathogenic. Please note: this variant was assessed in the context of healthy population screening.